The following is an entry in ClinVar:

ClinVar aggregate classification (germline): Likely pathogenic (1 of 4 stars; one submission).

Conditions:
Congenital microcephaly - severe encephalopathy - progressive cerebral atrophy syndrome. Also called: ASNS DEFICIENCY; Asparagine synthetase deficiency. Identifiers: Orphanet 391376, MedGen C3809971, MONDO:0014258, OMIM 615574.

Submission:

Natera, Inc.
Classification: Likely pathogenic for Asparagine synthetase deficiency. Last evaluated: 2025-09-17. Review status: criteria provided, single submitter. Criteria: Natera Variant Classification Schema (03/2026). Collection method: clinical testing. Allele origin: germline.
Comment: The c.476dup variant in ASNS is a frameshift variant predicted to shift the reading frame beginning at codon 160 and leads to a stop codon 3 codons downstream. This variant is expected to result in nonsense mediated decay, truncation, or a dysfunctional protein product. This variant is rare in the general population with a frequency below the threshold expected for the associated phenotype(s). Given the available evidence, this variant is classified as Likely Pathogenic.

NM_001673.5(ASNS):c.476dup (p.Glu160fs)

Genes: ASNS (asparagine synthetase (glutamine-hydrolyzing); minus strand), CZ1P-ASNS (CZ1P-ASNS readthrough; minus strand). Cytogenetic location: 7q21.3.
Variant type: Duplication.
Coding change: c.476dup on transcript NM_001673.5 (MANE Select); coding-DNA position 476, one base duplicated (C; older notation c.476dupC).
Protein change: p.Glu160fs; shifts the reading frame from glutamic acid 160.
Molecular consequence: frameshift variant. On other transcripts: non-coding transcript variant (1).
Genome position (GRCh38, 1-based): chr7:97,864,270, G duplicated on the plus strand (C on the coding strand, the reverse complement: ASNS is on the minus strand). VCF-style (leftmost placement, unchanged base first): chr7-97864269-T-TG. GRCh37 (hg19) VCF-style: chr7-97493581-T-TG.
Other names: c.413dup, p.Glu139fs (NM_001178075.2); c.227dup, p.Glu77fs (NM_001178076.2, NM_001178077.1); c.476dup, p.Glu160fs (NM_001352496.2, NM_133436.3, NM_183356.4); short protein forms E139fs, E160fs, E77fs.
Identifiers: ClinVar variation 4816506 (VCV004816506.1).